The following is an entry in ClinVar:

NM_015178.3(RHOBTB2):c.987_995del (p.His332_His334del)

Gene: RHOBTB2 (Rho related BTB domain containing 2; plus strand). Cytogenetic location: 8p21.3.
Variant type: Deletion.
Coding change: c.987_995del on transcript NM_015178.3 (MANE Select); coding-DNA positions 987 to 995, 9 bases deleted (TCACCACCA; older notation c.987_995delTCACCACCA).
Protein change: p.His332_His334del.
Molecular consequence: inframe deletion.
Genome position (GRCh38, 1-based): chr8:23,007,232-23,007,240, TCACCACCA deleted; deleting any 9 consecutive bases within chr8:23,007,224-23,007,240 gives the same sequence; the c. name uses the placement nearest the transcript's 3' end. VCF-style (leftmost placement, unchanged base first): chr8-23007223-CCACCACCAT-C. GRCh37 (hg19) VCF-style: chr8-22864736-CCACCACCAT-C.
Other names: c.1053_1061del, p.His354_His356del (NM_001160036.2); c.1008_1016del, p.His339_His341del (NM_001160037.2); c.987_995del, p.His332_His334del (NM_001374791.1).
Identifiers: ClinVar variation 3020135 (VCV003020135.3), dbSNP rs758884291, ClinGen allele CA4672578.
Genomic context (GRCh38, chr8:23,007,223, plus strand): 5'-GGGCCCCTCGGAGCCAGGGGGCACCCACCCAGAGGACCACCAGGGCCACTCTGATCAACA[CCACCACCAT>C]CACCACCACCACCATGGGCGAGACTTCCTGCTCCGAGCAGCCAGCTTTGACGTGTGCGAG-3'

ClinVar aggregate classification (germline): Uncertain significance (1 of 4 stars; one submission).

Submission:

Labcorp Genetics (formerly Invitae), Labcorp
Classification: Uncertain significance. Last evaluated: 2023-01-05. Review status: criteria provided, single submitter. Criteria: Invitae Variant Classification Sherloc (09022015). Collection method: clinical testing. Allele origin: germline.
Comment: In summary, the available evidence is currently insufficient to determine the role of this variant in disease. Therefore, it has been classified as a Variant of Uncertain Significance. Experimental studies and prediction algorithms are not available or were not evaluated, and the functional significance of this variant is currently unknown. This variant has not been reported in the literature in individuals affected with RHOBTB2-related conditions. This variant is present in population databases (rs758884291, gnomAD 0.004%). This variant, c.1053_1061del, results in the deletion of 3 amino acid(s) of the RHOBTB2 protein (p.His354_His356del), but otherwise preserves the integrity of the reading frame.